The following is an entry in ClinVar:

NM_001164508.2(NEB):c.8697del (p.Lys2899fs)

Gene: NEB (nebulin; minus strand). Cytogenetic location: 2q23.3.
Variant type: Deletion.
Coding change: c.8697del on transcript NM_001164508.2 (MANE Select); coding-DNA position 8697, one base deleted (G; older notation c.8697delG).
Protein change: p.Lys2899fs; shifts the reading frame from lysine 2899.
Molecular consequence: frameshift variant.
Genome position (GRCh38, 1-based): chr2:151,640,049, C deleted on the plus strand (G on the coding strand, the reverse complement: NEB is on the minus strand). VCF-style (leftmost placement, unchanged base first): chr2-151640048-AC-A. GRCh37 (hg19) VCF-style: chr2-152496562-AC-A.
Other names: NM_001164508.2:c.8697del; c.8697del, p.Lys2899fs (NM_001164507.2, NM_001271208.2, NM_004543.5); short protein forms K2899fs.
Identifiers: ClinVar variation 2412770 (VCV002412770.1), dbSNP rs2552243523, ClinGen allele CA2573332070.

ClinVar aggregate classification (germline): Likely pathogenic (1 of 4 stars; one submission).

Conditions:
Nemaline myopathy 2 (NEM2). Also called: Nemaline myopathy 2, autosomal recessive. Identifiers: MedGen C1850569, MONDO:0009725, OMIM 256030.

Submission:

Broad Center for Mendelian Genomics, Broad Institute of MIT and Harvard
Classification: Likely pathogenic for Nemaline myopathy 2. Last evaluated: 2023-01-25. Review status: criteria provided, single submitter. Criteria: ACMG Guidelines, 2015. Collection method: curation. Allele origin: germline. Inheritance: Autosomal recessive inheritance.
Comment: The p.Lys2899AsnfsTer7 variant in NEB has not been previously reported in individuals with nemaline myopathy 2. This variant was absent from large population studies. This variant is predicted to cause a frameshift, which alters the protein‚Äôs amino acid sequence beginning at position 2899 and leads to a premature termination codon 7 amino acids downstream. This alteration is then predicted to lead to a truncated or absent protein. Loss of function of the NEB gene is an established disease mechanism in autosomal recessive nemaline myopathy 2. In summary, although additional studies are required to fully establish its clinical significance, this variant is likely pathogenic for nemaline myopathy 2. ACMG/AMP Criteria applied: PVS1, PM2_Supporting (Richards 2015).